The following is an entry in ClinVar:

NM_004360.5(CDH1):c.1357C>T (p.His453Tyr)

Gene: CDH1 (cadherin 1; plus strand). Cytogenetic location: 16q22.1.
Variant type: single nucleotide variant.
Coding change: c.1357C>T on transcript NM_004360.5 (MANE Select); coding-DNA position 1357, C replaced by T.
Protein change: p.His453Tyr; replaces histidine 453 with tyrosine.
Molecular consequence: missense variant. On other transcripts: 5 prime UTR variant (2).
Genome position (GRCh38, 1-based): chr16:68,815,551, C>T. VCF-style: chr16-68815551-C-T. GRCh37 (hg19) VCF-style: chr16-68849454-C-T.
Other names: c.1174C>T, p.His392Tyr (NM_001317184.2); c.-192C>T (NM_001317185.2); c.-463C>T (NM_001317186.2); short protein forms H392Y, H453Y.
Identifiers: ClinVar variation 2015341 (VCV002015341.4), dbSNP rs1597897817, ClinGen allele CA396462769.

ClinVar aggregate classification (germline): Uncertain significance (1 of 4 stars; one submission).

Conditions:
Hereditary diffuse gastric adenocarcinoma (HDGC). Also called: DIFFUSE GASTRIC AND LOBULAR BREAST CANCER SYNDROME. Identifiers: Orphanet 26106, MedGen C1708349, MONDO:0007648, OMIM 137215.

Submission:

Labcorp Genetics (formerly Invitae), Labcorp
Classification: Uncertain significance for Hereditary diffuse gastric adenocarcinoma. Last evaluated: 2022-07-09. Review status: criteria provided, single submitter. Criteria: Invitae Variant Classification Sherloc (09022015). Collection method: clinical testing. Allele origin: germline.
Comment: This sequence change replaces histidine, which is basic and polar, with tyrosine, which is neutral and polar, at codon 453 of the CDH1 protein (p.His453Tyr). This variant is not present in population databases (gnomAD no frequency). This variant has not been reported in the literature in individuals affected with CDH1-related conditions. Algorithms developed to predict the effect of missense changes on protein structure and function output the following: SIFT: "Tolerated"; PolyPhen-2: "Benign"; Align-GVGD: "Class C0". The tyrosine amino acid residue is found in multiple mammalian species, which suggests that this missense change does not adversely affect protein function. In summary, the available evidence is currently insufficient to determine the role of this variant in disease. Therefore, it has been classified as a Variant of Uncertain Significance.